The following is an entry in ClinVar:

NM_006576.4(AVIL):c.2239C>T (p.Leu747Phe)

Genes: AVIL (advillin; minus strand), TSFM (Ts translation elongation factor, mitochondrial; plus strand). Cytogenetic location: 12q14.1.
Variant type: single nucleotide variant.
Coding change: c.2239C>T on transcript NM_006576.4 (MANE Select); coding-DNA position 2239, C replaced by T.
Protein change: p.Leu747Phe; replaces leucine 747 with phenylalanine.
Molecular consequence: missense variant. On other transcripts: intron variant (1).
Genome position (GRCh38, 1-based): chr12:57,799,902, G>A on the plus strand (C>T on the coding strand, the complement: AVIL is on the minus strand). VCF-style: chr12-57799902-G-A. GRCh37 (hg19) VCF-style: chr12-58193685-G-A.
Other names: c.572-2653G>A (NM_001172697.2); short protein forms L747F.
Identifiers: ClinVar variation 3054986 (VCV003054986.2), dbSNP rs79289432, ClinGen allele CA6659539.

ClinVar aggregate classification (germline): Likely benign (0 of 4 stars; one submission).

Conditions:
AVIL-related disorder. Also called: AVIL-related condition.

Allele frequency attached by ClinVar (database versions not stated): 1000 Genomes Project 0.00140; 1000 Genomes Project 30x 0.00141; ExAC 0.00018; ESP Exome Variant Server 0.00023; TOPMed 0.00051; gnomAD 0.00048.
gnomAD v4.1: 115 of 1,614,164 alleles (0.0071%); highest among the groups gnomAD compares: African/African-American, 0.13%; no homozygotes.

Submission:

PreventionGenetics, part of Exact Sciences
Classification: Likely benign for AVIL-related condition. Last evaluated: 2022-12-20. Review status: no assertion criteria provided. Collection method: clinical testing. Allele origin: germline.
Comment: This variant is classified as likely benign based on ACMG/AMP sequence variant interpretation guidelines (Richards et al. 2015 PMID: 25741868, with internal and published modifications).